The following is an entry in ClinVar:

NM_002291.3(LAMB1):c.424-186T>C

Gene: LAMB1 (laminin subunit beta 1; minus strand). Cytogenetic location: 7q31.1.
Variant type: single nucleotide variant.
Coding change: c.424-186T>C on transcript NM_002291.3 (MANE Select); 186 bases into the intron before coding-DNA position 424, T replaced by C.
Molecular consequence: intron variant.
Genome position (GRCh38, 1-based): chr7:107,986,549, A>G on the plus strand (T>C on the coding strand, the complement: LAMB1 is on the minus strand). VCF-style: chr7-107986549-A-G. GRCh37 (hg19) VCF-style: chr7-107626994-A-G.
Identifiers: ClinVar variation 682962 (VCV000682962.1), dbSNP rs2021886, ClinGen allele CA15510659.

ClinVar aggregate classification (germline): Benign (1 of 4 stars; one submission).

Allele frequency attached by ClinVar (database versions not stated): 1000 Genomes Project 0.58007; 1000 Genomes Project 30x 0.59057; gnomAD 0.62938 and 0.63865; TOPMed 0.64208.
gnomAD v4.1: 95,761 of 152,058 alleles (63%); highest among the groups gnomAD compares: African/African-American, 74%; 30,882 homozygotes.

Submission:

GeneDx
Classification: Benign. Last evaluated: 2018-06-19. Review status: criteria provided, single submitter. Criteria: GeneDx Variant Classification (06012015). Collection method: clinical testing. Allele origin: germline. Affected: yes.
Comment: This variant is considered likely benign or benign based on one or more of the following criteria: it is a conservative change, it occurs at a poorly conserved position in the protein, it is predicted to be benign by multiple in silico algorithms, and/or has population frequency not consistent with disease.